The following is an entry in ClinVar:

ClinVar aggregate classification (germline): Pathogenic (1 of 4 stars; one submission).

Conditions:
Glycine encephalopathy. Also called: Nonketotic hyperglycinemia; Non-ketotic hyperglycinemia. Identifiers: Orphanet 407, MedGen C0751748, MONDO:0011612, HP:0008288.

Submission:

Labcorp Genetics (formerly Invitae), Labcorp
Classification: Pathogenic for Non-ketotic hyperglycinemia. Last evaluated: 2019-12-23. Review status: criteria provided, single submitter. Criteria: Invitae Variant Classification Sherloc (09022015). Collection method: clinical testing. Allele origin: germline.
Comment: This variant is a gross deletion of the genomic region encompassing exons 1-15 of the GLDC gene, which includes the initiator codon. The 5' end of this event is unknown as it extends beyond the assayed region for this gene and therefore may encompass additional genes. The 3' boundary is likely confined to intron 15 of the GLDC gene. This is expected to result in an absent or disrupted protein product. This variant has been observed to be homozygous or compound heterozygous in individuals affected with glycine encephalopathy (PMID: 27362913). Loss-of-function variants in GLDC are known to be pathogenic (PMID: 16601880). For these reasons, this variant has been classified as Pathogenic.

Literature cited by the submitters: PubMed 27362913.

NC_000009.12:g.(?_6587121)_(6645519_?)del

Gene: GLDC (glycine decarboxylase; minus strand). Cytogenetic location: 9p24.1.
Variant type: Deletion.
Identifiers: ClinVar variation 831447 (VCV000831447.1).